The following is an entry in ClinVar:

ClinVar aggregate classification (germline): Likely benign. Review status: criteria provided, multiple submitters, no conflicts (2 of 4 stars). 2 submissions from 2 submitters: Likely benign (2). Last evaluated 2025-09-01.

Conditions:
Oto-palato-digital syndrome, type II (OPD2). Also called: Otopalatodigital Syndrome, Type II; FACIOPALATOOSSEOUS SYNDROME; Otopalatodigital Syndrome Type 2 (FLNA-OPD2); OPD II SYNDROME. Identifiers: Orphanet 669, Orphanet 90652, MedGen C1844696, MONDO:0010571, OMIM 304120.
Melnick-Needles syndrome (MNS). Also called: Melnick-Needles Syndrome (FLNA-MNS); MELNICK-NEEDLES OSTEODYSPLASTY; OSTEODYSPLASTY OF MELNICK AND NEEDLES. Identifiers: Orphanet 2484, MedGen C0025237, MONDO:0010650, OMIM 309350.
Heterotopia, periventricular, X-linked dominant (PVNH1). Also called: PERIVENTRICULAR NODULAR HETEROTOPIA 4; HETEROTOPIA, PERIVENTRICULAR, 1; X-linked periventricular heterotopia; PERIVENTRICULAR NODULAR HETEROTOPIA 1. Identifiers: Orphanet 2149, Orphanet 82004, MedGen C1848213, MONDO:0010233, OMIM 300049.
Frontometaphyseal dysplasia (FMD1). Identifiers: Orphanet 1826, MedGen C0265293, MONDO:0015942.

Allele frequency attached by ClinVar (database versions not stated): gnomAD exomes below 0.00001 and 0.00001.
gnomAD v4.1: 4 of 1,211,288 alleles (0.00033%); highest among the groups gnomAD compares: East Asian, 0.0089%; no homozygotes.

Submissions (2):

CeGaT Center for Human Genetics Tuebingen
Classification: Likely benign. Last evaluated: 2025-09-01. Review status: criteria provided, single submitter. Criteria: CeGaT Center For Human Genetics Tuebingen Variant Classification Criteria Version 2. Collection method: clinical testing. Allele origin: germline. Affected: yes. Observed: 1 variant allele.
Comment: FLNA: BP4, BP7

Labcorp Genetics (formerly Invitae), Labcorp
Classification: Likely benign for Oto-palato-digital syndrome, type II; Heterotopia, periventricular, X-linked dominant; Frontometaphyseal dysplasia; Melnick-Needles syndrome. Last evaluated: 2024-06-07. Review status: criteria provided, single submitter. Criteria: Invitae Variant Classification Sherloc (09022015). Collection method: clinical testing. Allele origin: germline.

NM_001110556.2(FLNA):c.6087C>T (p.His2029=)

Gene: FLNA (filamin A; minus strand). Cytogenetic location: Xq28.
Variant type: single nucleotide variant.
Coding change: c.6087C>T on transcript NM_001110556.2 (MANE Select); coding-DNA position 6087, C replaced by T.
Protein change: p.His2029=; no amino-acid change (histidine 2029 retained).
Molecular consequence: synonymous variant.
Genome position (GRCh38, 1-based): chrX:154,353,140, G>A on the plus strand (C>T on the coding strand, the complement: FLNA is on the minus strand). VCF-style: chrX-154353140-G-A. GRCh37 (hg19) VCF-style: chrX-153581508-G-A.
Other names: c.6063C>T, p.His2021= (NM_001456.4).
Identifiers: ClinVar variation 1145007 (VCV001145007.16), dbSNP rs1291004140, ClinGen allele CA519706650.